The following is an entry in ClinVar:

ClinVar aggregate classification (germline): Uncertain significance. Review status: criteria provided, multiple submitters, no conflicts (2 of 4 stars). 2 submissions from 2 submitters: Uncertain significance (2). Last evaluated 2025-10-27.

Conditions:
Inborn genetic diseases. Identifiers: MedGen C0950123, MeSH D030342.

Allele frequency attached by ClinVar (database versions not stated): TOPMed below 0.00001; ExAC 0.00001; gnomAD 0.00001.
gnomAD v4.1: 5 of 1,614,098 alleles (0.00031%); highest among the groups gnomAD compares: African/African-American, 0.0013%; no homozygotes.

Submissions (2):

Labcorp Genetics (formerly Invitae), Labcorp
Classification: Uncertain significance. Last evaluated: 2025-10-27. Review status: criteria provided, single submitter. Criteria: Invitae Variant Classification Sherloc (09022015). Collection method: clinical testing. Allele origin: germline.
Comment: This sequence change replaces threonine, which is neutral and polar, with methionine, which is neutral and non-polar, at codon 544 of the CACNA1D protein (p.Thr544Met). This variant is present in population databases (rs756586931, gnomAD 0.0009%). This variant has not been reported in the literature in individuals affected with CACNA1D-related conditions. ClinVar contains an entry for this variant (Variation ID: 1946842). Invitae Evidence Modeling of protein sequence and biophysical properties (such as structural, functional, and spatial information, amino acid conservation, physicochemical variation, residue mobility, and thermodynamic stability) indicates that this missense variant is not expected to disrupt CACNA1D protein function with a negative predictive value of 80%. In summary, the available evidence is currently insufficient to determine the role of this variant in disease. Therefore, it has been classified as a Variant of Uncertain Significance.

Ambry Genetics
Classification: Uncertain significance for Inborn genetic diseases. Last evaluated: 2025-08-28. Review status: criteria provided, single submitter. Criteria: Ambry Variant Classification Scheme 2023. Collection method: clinical testing. Allele origin: germline.

NM_001128840.3(CACNA1D):c.1571C>T (p.Thr524Met)

Gene: CACNA1D (calcium voltage-gated channel subunit alpha1 D; plus strand). Cytogenetic location: 3p21.1.
Variant type: single nucleotide variant.
Coding change: c.1571C>T on transcript NM_001128840.3 (MANE Select); coding-DNA position 1571, C replaced by T.
Protein change: p.Thr524Met; replaces threonine 524 with methionine.
Molecular consequence: missense variant.
Genome position (GRCh38, 1-based): chr3:53,722,379, C>T. VCF-style: chr3-53722379-C-T. GRCh37 (hg19) VCF-style: chr3-53756406-C-T.
Other names: c.1631C>T, p.Thr544Met (NM_000720.4); c.1571C>T, p.Thr524Met (NM_001128839.3); c.1631C>T (NM_000720.2); short protein forms T544M, T524M.
Identifiers: ClinVar variation 1946842 (VCV001946842.6), dbSNP rs756586931, ClinGen allele CA2454035.